The following is an entry in ClinVar:

ClinVar aggregate classification (germline): Uncertain significance (1 of 4 stars; one submission).

Conditions:
Bloom syndrome (BLM). Also called: Bloom-Torre-Machacek syndrome. Identifiers: Orphanet 125, MedGen C0005859, MONDO:0008876, OMIM 210900.

Submission:

Labcorp Genetics (formerly Invitae), Labcorp
Classification: Uncertain significance for Bloom syndrome. Last evaluated: 2022-03-20. Review status: criteria provided, single submitter. Criteria: Invitae Variant Classification Sherloc (09022015). Collection method: clinical testing. Allele origin: germline.
Comment: In summary, the available evidence is currently insufficient to determine the role of this variant in disease. Therefore, it has been classified as a Variant of Uncertain Significance. Algorithms developed to predict the effect of missense changes on protein structure and function are either unavailable or do not agree on the potential impact of this missense change (SIFT: "Deleterious"; PolyPhen-2: "Possibly Damaging"; Align-GVGD: "Class C0"). This sequence change replaces asparagine, which is neutral and polar, with isoleucine, which is neutral and non-polar, at codon 1332 of the BLM protein (p.Asn1332Ile). This variant is not present in population databases (gnomAD no frequency). This variant has not been reported in the literature in individuals affected with BLM-related conditions.

NM_000057.4(BLM):c.3995A>T (p.Asn1332Ile)

Gene: BLM (BLM RecQ like helicase; plus strand). Cytogenetic location: 15q26.1.
Variant type: single nucleotide variant.
Coding change: c.3995A>T on transcript NM_000057.4 (MANE Select); coding-DNA position 3995, A replaced by T.
Protein change: p.Asn1332Ile; replaces asparagine 1332 with isoleucine.
Molecular consequence: missense variant.
Genome position (GRCh38, 1-based): chr15:90,811,325, A>T. VCF-style: chr15-90811325-A-T. GRCh37 (hg19) VCF-style: chr15-91354555-A-T.
Other names: c.3995A>T, p.Asn1332Ile (NM_001287246.2); c.3602A>T, p.Asn1201Ile (NM_001287247.2); c.2870A>T, p.Asn957Ile (NM_001287248.2); short protein forms N957I, N1201I, N1332I.
Identifiers: ClinVar variation 2115325 (VCV002115325.4), dbSNP rs2505567279, ClinGen allele CA393851115.